The following is an entry in ClinVar:

NM_000321.3(RB1):c.1630del (p.Arg544fs)

Gene: RB1 (RB transcriptional corepressor 1; plus strand). Cytogenetic location: 13q14.2.
Variant type: Deletion.
Coding change: c.1630del on transcript NM_000321.3 (MANE Select); coding-DNA position 1630, one base deleted (A; older notation c.1630delA).
Protein change: p.Arg544fs; shifts the reading frame from arginine 544.
Molecular consequence: frameshift variant.
Genome position (GRCh38, 1-based): chr13:48,381,378, A deleted; the last of 2 consecutive A bases (chr13:48,381,377-48,381,378); deleting either gives the same sequence. VCF-style (leftmost placement, unchanged base first): chr13-48381376-CA-C. GRCh37 (hg19) VCF-style: chr13-48955512-CA-C.
Other names: c.1630del, p.Arg544fs (NM_001407165.1, NM_001407166.1); short protein forms R544fs.
Identifiers: ClinVar variation 3237013 (VCV003237013.2), dbSNP rs2542206907.

ClinVar aggregate classification (germline): Pathogenic. Review status: criteria provided, multiple submitters, no conflicts (2 of 4 stars). 2 submissions from 2 submitters: Pathogenic (2). Last evaluated 2024-05-20.

Conditions:
RB1-related disorder. Also called: RB1-related condition.
Retinoblastoma (RB1). Also called: RETINOBLASTOMA, SOMATIC. Identifiers: Orphanet 790, MedGen C0035335, MeSH D012175, MONDO:0008380, OMIM 180200, HP:0009919. Disease mechanism: loss of function. Inheritance: Both sporadic and heritable forms are tested..

Submissions (2):

Genetic Diagnostic Laboratory, University of Pennsylvania School of Medicine
Classification: Pathogenic for Retinoblastoma. Last evaluated: 2024-05-20. Review status: criteria provided, single submitter. Criteria: ACMG Guidelines, 2015. Collection method: clinical testing. Allele origin: germline. Affected: yes. Observed: 1 variant allele.
Comment: Case and Pedigree Information: BILATERAL CASES:1, UNILATERAL CASES:0, TOTAL CASES:1, PEDIGREES:1. ACMG Codes Applied:PVS1, PM2

Blueprint Genetics
Classification: Pathogenic for RB1-related disorders. Last evaluated: 2020-10-06. Review status: criteria provided, single submitter. Criteria: ACMG Guidelines, 2015. Collection method: clinical testing. Allele origin: germline. Affected: yes. Observed: 1 variant allele.